The following is an entry in ClinVar:

ClinVar aggregate classification (germline): Uncertain significance. Review status: criteria provided, multiple submitters, no conflicts (2 of 4 stars). 3 submissions from 3 submitters: Uncertain significance (3). Last evaluated 2024-05-23.

Conditions:
Emery-Dreifuss muscular dystrophy 5, autosomal dominant (EDMD5). Also called: EMERY-DREIFUSS MUSCULAR DYSTROPHY 5. Identifiers: Orphanet 261, MedGen C2751805, MONDO:0013072, OMIM 612999.

Allele frequency attached by ClinVar (database versions not stated): TOPMed 0.00003; gnomAD 0.00004; ExAC 0.00005; gnomAD exomes 0.00005.
gnomAD v4.1: 55 of 1,613,822 alleles (0.0034%); highest among the groups gnomAD compares: South Asian, 0.0066%; no homozygotes.

Submissions (3):

Labcorp Genetics (formerly Invitae), Labcorp
Classification: Uncertain significance for Emery-Dreifuss muscular dystrophy 5, autosomal dominant. Last evaluated: 2024-05-23. Review status: criteria provided, single submitter. Criteria: Invitae Variant Classification Sherloc (09022015). Collection method: clinical testing. Allele origin: germline.
Comment: This sequence change replaces serine, which is neutral and polar, with leucine, which is neutral and non-polar, at codon 6682 of the SYNE2 protein (p.Ser6682Leu). This variant is present in population databases (rs201256334, gnomAD 0.04%). This variant has not been reported in the literature in individuals affected with SYNE2-related conditions. ClinVar contains an entry for this variant (Variation ID: 659917). An algorithm developed to predict the effect of missense changes on protein structure and function (PolyPhen-2) suggests that this variant is likely to be disruptive. In summary, the available evidence is currently insufficient to determine the role of this variant in disease. Therefore, it has been classified as a Variant of Uncertain Significance.

Ambry Genetics
Classification: Uncertain significance. Last evaluated: 2023-05-26. Review status: criteria provided, single submitter. Criteria: Ambry Variant Classification Scheme 2023. Collection method: clinical testing. Allele origin: germline.

Revvity Omics, Revvity
Classification: Uncertain significance for Emery-Dreifuss muscular dystrophy 5, autosomal dominant. Last evaluated: 2019-07-03. Review status: criteria provided, single submitter. Criteria: ACMG Guidelines, 2015. Collection method: clinical testing. Allele origin: germline.

NM_182914.3(SYNE2):c.20045C>T (p.Ser6682Leu)

Gene: SYNE2 (spectrin repeat containing nuclear envelope protein 2; plus strand). Cytogenetic location: 14q23.2.
Variant type: single nucleotide variant.
Coding change: c.20045C>T on transcript NM_182914.3 (MANE Select); coding-DNA position 20045, C replaced by T.
Protein change: p.Ser6682Leu; replaces serine 6682 with leucine.
Molecular consequence: missense variant.
Genome position (GRCh38, 1-based): chr14:64,220,621, C>T. VCF-style: chr14-64220621-C-T. GRCh37 (hg19) VCF-style: chr14-64687339-C-T.
Other names: c.19976C>T, p.Ser6659Leu (NM_015180.6); c.569C>T, p.Ser190Leu (NM_182910.2); c.947C>T, p.Ser316Leu (NM_182913.4); short protein forms S190L, S316L, S6659L, S6682L.
Identifiers: ClinVar variation 659917 (VCV000659917.15), dbSNP rs201256334, ClinGen allele CA7224671.